The following is an entry in ClinVar:

NM_001148.6(ANK2):c.6366G>A (p.Met2122Ile)

Gene: ANK2 (ankyrin 2; plus strand). Cytogenetic location: 4q26.
Variant type: single nucleotide variant.
Coding change: c.6366G>A on transcript NM_001148.6 (MANE Select); coding-DNA position 6366, G replaced by A.
Protein change: p.Met2122Ile; replaces methionine 2122 with isoleucine.
Molecular consequence: missense variant. On other transcripts: intron variant (68).
Genome position (GRCh38, 1-based): chr4:113,354,984, G>A. VCF-style: chr4-113354984-G-A. GRCh37 (hg19) VCF-style: chr4-114276140-G-A.
Other names: c.6132G>A, p.Met2044Ile (NM_001386142.1); c.2766G>A, p.Met922Ile (NM_001386166.1); c.6507G>A, p.Met2169Ile (NM_001386174.1); c.6483G>A, p.Met2161Ile (NM_001386175.1); c.4411+4735G>A (NM_001386186.2, NM_001386148.2); c.4213+4735G>A (NM_001354269.3); c.4291+4735G>A (NM_001386187.2); c.4252+4735G>A (NM_001386147.1); and 35 more; short protein forms M2044I, M2122I, M2161I, M2169I, M922I.
Identifiers: ClinVar variation 3252634 (VCV003252634.1), dbSNP rs2505551076.
Genomic context (GRCh38, chr4:113,354,984, plus strand): 5'-AGAAAGCCACAGAGAGAGCGAAGTGCCCAAAGAAAAGATGGCTGATGAGCAGGGAGACAT[G>A]GATCTACAGATCAGCCCAGATAGGAAAACCTCCACTGACTTCTCTGAGGTCATTAAGCAA-3'
Protein context (NP_001139.3, residues 2112-2132): KEKMADEQGD[Met2122Ile]DLQISPDRKT

ClinVar aggregate classification (germline): Uncertain significance (1 of 4 stars; one submission).

Submission:

GeneDx
Classification: Uncertain significance. Last evaluated: 2023-10-02. Review status: criteria provided, single submitter. Criteria: GeneDx Variant Classification Process June 2021. Collection method: clinical testing. Allele origin: germline. Affected: yes.
Comment: Not observed at significant frequency in large population cohorts (gnomAD); In silico analysis supports that this missense variant does not alter protein structure/function; Has not been previously published as pathogenic or benign to our knowledge